The following is an entry in ClinVar:

NM_001256071.3(RNF213):c.14677G>C (p.Glu4893Gln)

Genes: RNF213 (ring finger protein 213; plus strand), RNF213-AS1 (RNF213 antisense RNA 1; minus strand), LOC126862664 (CDK7 strongly-dependent group 2 enhancer GRCh37_chr17:78359110-78360309; plus strand). Cytogenetic location: 17q25.3.
Variant type: single nucleotide variant.
Coding change: c.14677G>C on transcript NM_001256071.3 (MANE Select); coding-DNA position 14677, G replaced by C.
Protein change: p.Glu4893Gln; replaces glutamic acid 4893 with glutamine.
Molecular consequence: missense variant.
Genome position (GRCh38, 1-based): chr17:80,386,387, G>C. VCF-style: chr17-80386387-G-C. GRCh37 (hg19) VCF-style: chr17-78360187-G-C.
Other names: p.Glu4893Gln; short protein forms E4893Q.
Identifiers: ClinVar variation 723725 (VCV000723725.13), dbSNP rs143163385, ClinGen allele CA8823032.

ClinVar aggregate classification (germline): Conflicting classifications of pathogenicity. Review status: criteria provided, conflicting classifications (1 of 4 stars). 4 submissions from 4 submitters: Uncertain significance (3); Likely benign (1). Last evaluated 2024-01-15.

Allele frequency attached by ClinVar (database versions not stated): ExAC 0.00037; gnomAD exomes 0.00041 and 0.00050; ESP Exome Variant Server 0.00054; gnomAD 0.00062 and 0.00065; TOPMed 0.00074; 1000 Genomes Project 30x 0.00078; 1000 Genomes Project 0.00080.
gnomAD v4.1: 723 of 1,614,170 alleles (0.045%); highest among the groups gnomAD compares: Admixed American, 0.22%; no homozygotes.

Submissions (4):

Mayo Clinic Laboratories, Mayo Clinic
Classification: Uncertain significance. Last evaluated: 2024-01-15. Review status: criteria provided, single submitter. Criteria: ACMG Guidelines, 2015. Collection method: clinical testing. Allele origin: germline. Observed: 1 variant allele.
Comment: BP4

GeneDx
Classification: Uncertain significance. Last evaluated: 2023-04-07. Review status: criteria provided, single submitter. Criteria: GeneDx Variant Classification Process June 2021. Collection method: clinical testing. Allele origin: germline. Affected: yes.
Comment: In silico analysis supports that this missense variant does not alter protein structure/function; Has not been previously published as pathogenic or benign to our knowledge

Women's Health and Genetics/Laboratory Corporation of America, LabCorp
Classification: Uncertain significance. Last evaluated: 2023-03-22. Review status: criteria provided, single submitter. Criteria: LabCorp Variant Classification Summary - May 2015. Collection method: clinical testing. Allele origin: germline.
Comment: Variant summary: RNF213 c.14677G>C (p.Glu4893Gln) results in a conservative amino acid change in the encoded protein sequence. Four of four in-silico tools predict a benign effect of the variant on protein function. The variant allele was found at a frequency of 0.0005 in 251442 control chromosomes (gnomAD). To our knowledge, no occurrence of c.14677G>C in individuals affected with Moyamoya Disease 2 and no experimental evidence demonstrating its impact on protein function have been reported. Two ClinVar submitters (evaluation after 2014) cite this variant as likely benign and uncertain significance. Based on the evidence outlined above, the variant was classified as uncertain significance.

Labcorp Genetics (formerly Invitae), Labcorp
Classification: Likely benign. Last evaluated: 2022-04-06. Review status: criteria provided, single submitter. Criteria: Invitae Variant Classification Sherloc (09022015). Collection method: clinical testing. Allele origin: germline.